The following is an entry in ClinVar:

NM_004385.5(VCAN):c.*813_*816dup

Gene: VCAN (versican; plus strand). Cytogenetic location: 5q14.3.
Variant type: Duplication.
Coding change: c.*813_*816dup on transcript NM_004385.5 (MANE Select); 813 bases downstream of the stop codon through 816 bases downstream of the stop codon, 4 bases duplicated (TACC; older notation c.*813_*816dupTACC).
Molecular consequence: 3 prime UTR variant.
Genome position (GRCh38, 1-based): chr5:83,581,247-83,581,250, TACC duplicated. VCF-style (leftmost placement, unchanged base first): chr5-83581246-T-TTACC. GRCh37 (hg19) VCF-style: chr5-82877065-T-TTACC.
Other names: c.*813_*816dup (NM_001126336.3, NM_001164097.2, NM_001164098.2).
Identifiers: ClinVar variation 354477 (VCV000354477.29), dbSNP rs140261411, ClinGen allele CA10625331.
Genomic context (GRCh38, chr5:83,581,246, plus strand): 5'-CTAATAATTAACTCAACCAGGTCTACTTTTTAATGGCTTTCATAACACTAACTCATAAGG[T>TTACC]TACCGATCAATGCATTTCATACGGATATAGACCTAGGGCTCTGGAGGGTGGGGGATTGTT-3'

ClinVar aggregate classification (germline): Benign (1 of 4 stars; one submission).

Allele frequency attached by ClinVar (database versions not stated): gnomAD 0.00522 and 0.00527; gnomAD exomes 0.00688.

Submission:

CeGaT Center for Human Genetics Tuebingen
Classification: Benign. Last evaluated: 2022-10-01. Review status: criteria provided, single submitter. Criteria: CeGaT Center For Human Genetics Tuebingen Variant Classification Criteria Version 2. Collection method: clinical testing. Allele origin: germline. Affected: yes. Observed: 2 variant alleles.
Comment: VCAN: BS1, BS2